The following is an entry in ClinVar:

ClinVar aggregate classification (germline): Likely benign (1 of 4 stars; one submission).

Conditions:
PLXNA4-related disorder. Also called: PLXNA4-related condition.

gnomAD v4.1: 42 of 1,613,884 alleles (0.0026%); highest among the groups gnomAD compares: Non-Finnish European, 0.0031%; no homozygotes.

Submission:

PreventionGenetics, part of Exact Sciences
Classification: Likely benign for PLXNA4-related condition. Last evaluated: 2024-10-20. Review status: criteria provided, single submitter. Criteria: ACMG Guidelines, 2015. Collection method: clinical testing. Allele origin: germline.
Comment: This variant is classified as likely benign based on ACMG/AMP sequence variant interpretation guidelines (Richards et al. 2015 PMID: 25741868, with internal and published modifications).

NM_020911.2(PLXNA4):c.2787C>T (p.Phe929=)

Gene: PLXNA4 (plexin A4; minus strand). Cytogenetic location: 7q32.3.
Variant type: single nucleotide variant.
Coding change: c.2787C>T on transcript NM_020911.2 (MANE Select); coding-DNA position 2787, C replaced by T.
Protein change: p.Phe929=; no amino-acid change (phenylalanine 929 retained).
Molecular consequence: synonymous variant.
Genome position (GRCh38, 1-based): chr7:132,194,131, G>A on the plus strand (C>T on the coding strand, the complement: PLXNA4 is on the minus strand). VCF-style: chr7-132194131-G-A. GRCh37 (hg19) VCF-style: chr7-131878890-G-A.
Other names: c.2787C>T, p.Phe929= (NM_001393897.1).
Identifiers: ClinVar variation 4989415 (VCV004989415.1).